The following is an entry in ClinVar:

NM_001135050.2(IGSF9):c.291T>C (p.Gly97=)

Gene: IGSF9 (immunoglobulin superfamily member 9; minus strand). Cytogenetic location: 1q23.2.
Variant type: single nucleotide variant.
Coding change: c.291T>C on transcript NM_001135050.2 (MANE Select); coding-DNA position 291, T replaced by C.
Protein change: p.Gly97=; no amino-acid change (glycine 97 retained).
Molecular consequence: synonymous variant.
Genome position (GRCh38, 1-based): chr1:159,937,795, A>G on the plus strand (T>C on the coding strand, the complement: IGSF9 is on the minus strand). VCF-style: chr1-159937795-A-G. GRCh37 (hg19) VCF-style: chr1-159907585-A-G.
Other names: c.291T>C, p.Gly97= (NM_020789.4).
Identifiers: ClinVar variation 2639490 (VCV002639490.24), dbSNP rs374768980, ClinGen allele CA1192491.

ClinVar aggregate classification (germline): Likely benign (1 of 4 stars; one submission).

Allele frequency attached by ClinVar (database versions not stated): gnomAD exomes 0.00006; ExAC 0.00007; gnomAD 0.00007; ESP Exome Variant Server 0.00008; TOPMed 0.00009.
gnomAD v4.1: 105 of 1,613,802 alleles (0.0065%); highest among the groups gnomAD compares: Middle Eastern, 0.066%; no homozygotes.

Submission:

CeGaT Center for Human Genetics Tuebingen
Classification: Likely benign. Last evaluated: 2023-04-01. Review status: criteria provided, single submitter. Criteria: CeGaT Center For Human Genetics Tuebingen Variant Classification Criteria Version 2. Collection method: clinical testing. Allele origin: germline. Affected: yes. Observed: 1 variant allele.
Comment: IGSF9: BP4, BP7